The following is an entry in ClinVar:

Conditions:
Long QT syndrome 5 (LQT5). Identifiers: Orphanet 101016, Orphanet 768, MedGen C1867904, MONDO:0013372, OMIM 613695.

Submission:

Roden Lab, Vanderbilt University Medical Center
No classification provided (evidence only). Condition: Long QT syndrome 5. Review status: no classification provided. Collection method: in vitro. Allele origin: not applicable. Functional consequence: Effect on ion channel function.
ClinVar note: "not provided" was previously submitted as the classification for the variant. However, the classification appeared to be based only on an observation of functional data so it was converted to no classification on 2025-07-30.

NM_000219.6(KCNE1):c.44A>T (p.Lys15Met)

Gene: KCNE1 (potassium voltage-gated channel subfamily E regulatory subunit 1; minus strand). Cytogenetic location: 21q22.12.
Variant type: single nucleotide variant.
Coding change: c.44A>T on transcript NM_000219.6 (MANE Select); coding-DNA position 44, A replaced by T.
Protein change: p.Lys15Met; replaces lysine 15 with methionine.
Molecular consequence: missense variant.
Genome position (GRCh38, 1-based): chr21:34,449,591, T>A on the plus strand (A>T on the coding strand, the complement: KCNE1 is on the minus strand). VCF-style: chr21-34449591-T-A. GRCh37 (hg19) VCF-style: chr21-35821889-T-A.
Other names: c.44A>T, p.Lys15Met (NM_001127668.4, NM_001127669.4, NM_001127670.4 and 4 more transcripts); short protein forms K15M.
Identifiers: ClinVar variation 3373895 (VCV003373895.2).